The following is an entry in ClinVar:

ClinVar aggregate classification (germline): Uncertain significance (1 of 4 stars; one submission).

Conditions:
Peroxisome biogenesis disorder, complementation group K (CGK). Identifiers: MedGen C1866257, MONDO:0800365.

Submission:

Labcorp Genetics (formerly Invitae), Labcorp
Classification: Uncertain significance for Peroxisome biogenesis disorder, complementation group K. Last evaluated: 2025-03-18. Review status: criteria provided, single submitter. Criteria: Invitae Variant Classification Sherloc (09022015). Collection method: clinical testing. Allele origin: germline.
Comment: This variant, c.998_1000dup, results in the insertion of 1 amino acid(s) of the PEX14 protein (p.Asp333dup), but otherwise preserves the integrity of the reading frame. This variant is present in population databases (rs760231440, gnomAD 0.0009%). This variant has not been reported in the literature in individuals affected with PEX14-related conditions. In summary, the available evidence is currently insufficient to determine the role of this variant in disease. Therefore, it has been classified as a Variant of Uncertain Significance.

NM_004565.3(PEX14):c.992ATG[4] (p.Asp333dup)

Gene: PEX14 (peroxisomal biogenesis factor 14; plus strand). Cytogenetic location: 1p36.22.
Variant type: Microsatellite.
Coding change: c.992ATG[4] on transcript NM_004565.3 (MANE Select); four copies in a row of the 3-base unit ATG starting at c.992; the reference has three copies in a row; one copy, 3 bases duplicated.
Protein change: p.Asp333dup; duplicates aspartic acid 333.
Molecular consequence: inframe insertion.
Genome position (GRCh38, 1-based): chr1:10,629,851-10,629,853, ATG duplicated; duplicating any 3 consecutive bases within chr1:10,629,844-10,629,853 gives the same sequence; the position shown is the placement nearest the transcript's 3' end. VCF-style (leftmost placement, unchanged base first): chr1-10629843-G-GGAT. GRCh37 (hg19) VCF-style: chr1-10689900-G-GGAT.
Identifiers: ClinVar variation 1422515 (VCV001422515.8), dbSNP rs760231440, ClinGen allele CA17855140.